The following is an entry in ClinVar:

NM_001719.3(BMP7):c.611+136G>A

Gene: BMP7 (bone morphogenetic protein 7; minus strand). Cytogenetic location: 20q13.31.
Variant type: single nucleotide variant.
Coding change: c.611+136G>A on transcript NM_001719.3 (MANE Select); 136 bases into the intron after coding-DNA position 611, G replaced by A.
Molecular consequence: intron variant.
Genome position (GRCh38, 1-based): chr20:57,228,093, C>T on the plus strand (G>A on the coding strand, the complement: BMP7 is on the minus strand). VCF-style: chr20-57228093-C-T. GRCh37 (hg19) VCF-style: chr20-55803149-C-T.
Identifiers: ClinVar variation 667564 (VCV000667564.1), dbSNP rs7352741, ClinGen allele CA14791283.

ClinVar aggregate classification (germline): Benign (1 of 4 stars; one submission).

Allele frequency attached by ClinVar (database versions not stated): 1000 Genomes Project 30x 0.24016; 1000 Genomes Project 0.24221; TOPMed 0.30776; gnomAD 0.33173; gnomAD exomes 0.40933.
gnomAD v4.1: 405,741 of 1,021,864 alleles (40%); highest among the groups gnomAD compares: Middle Eastern, 46%; 86,691 homozygotes.

Submission:

GeneDx
Classification: Benign. Last evaluated: 2018-06-19. Review status: criteria provided, single submitter. Criteria: GeneDx Variant Classification (06012015). Collection method: clinical testing. Allele origin: germline. Affected: yes.
Comment: This variant is considered likely benign or benign based on one or more of the following criteria: it is a conservative change, it occurs at a poorly conserved position in the protein, it is predicted to be benign by multiple in silico algorithms, and/or has population frequency not consistent with disease.